The following is an entry in ClinVar:

NM_000074.3(CD40LG):c.216C>A (p.Cys72Ter)

Gene: CD40LG (CD40 ligand; plus strand). Cytogenetic location: Xq26.3.
Variant type: single nucleotide variant.
Coding change: c.216C>A on transcript NM_000074.3 (MANE Select); coding-DNA position 216, C replaced by A.
Protein change: p.Cys72Ter; replaces cysteine 72 with a stop codon.
Molecular consequence: nonsense.
Genome position (GRCh38, 1-based): chrX:136,650,325, C>A. VCF-style: chrX-136650325-C-A. GRCh37 (hg19) VCF-style: chrX-135732484-C-A.
Other names: short protein forms C72*.
Identifiers: ClinVar variation 449464 (VCV000449464.2), dbSNP rs1556136635, ClinGen allele CA414753207.
Genomic context (GRCh38, chrX:136,650,325, plus strand): 5'-GATAGAAGATGAAAGGAATCTTCATGAAGATTTTGTATTCATGAAAACGATACAGAGATG[C>A]AACACAGGAGAAAGATCCTTATCCTTACTGAACTGTGAGGAGATTAAAAGCCAGTTTGAA-3'

ClinVar aggregate classification (germline): Pathogenic (1 of 4 stars; one submission).

Submission:

GeneDx
Classification: Pathogenic. Last evaluated: 2017-09-08. Review status: criteria provided, single submitter. Criteria: GeneDx Variant Classification (06012015). Collection method: clinical testing. Allele origin: germline. Affected: yes.
Comment: The C72X variant in the CG40LG gene has been published as a pathogenic variant in association with X-linked Hyper IgM syndrome (Lin et al., 1996). This variant is predicted to cause loss of normal protein function either through protein truncation or nonsense-mediated mRNA decay. Additionally, the C72X variant is not observed in large population cohorts (Lek et al., 2016; 1000 Genomes Consortium et al., 2015; Exome Variant Server). Therefore, this variant is pathogenic.